The following is an entry in ClinVar:

NM_006579.3(EBP):c.129C>T (p.Val43=)

Gene: EBP (EBP cholestenol delta-isomerase; plus strand). Cytogenetic location: Xp11.23.
Variant type: single nucleotide variant.
Coding change: c.129C>T on transcript NM_006579.3 (MANE Select); coding-DNA position 129, C replaced by T.
Protein change: p.Val43=; no amino-acid change (valine 43 retained).
Molecular consequence: synonymous variant.
Genome position (GRCh38, 1-based): chrX:48,523,900, C>T. VCF-style: chrX-48523900-C-T. GRCh37 (hg19) VCF-style: chrX-48382288-C-T.
Identifiers: ClinVar variation 725573 (VCV000725573.6), dbSNP rs782150594, ClinGen allele CA10402974.

ClinVar aggregate classification (germline): Likely benign. Review status: criteria provided, multiple submitters, no conflicts (2 of 4 stars). 3 submissions from 3 submitters: Likely benign (2). 1 of the submissions does not count toward it. Last evaluated 2023-11-10.

Conditions:
EBP-related disorder. Also called: EBP-related condition.

Allele frequency attached by ClinVar (database versions not stated): ExAC 0.00001; gnomAD 0.00001; TOPMed 0.00001; gnomAD exomes 0.00002.
gnomAD v4.1: 56 of 1,209,040 alleles (0.0046%); highest among the groups gnomAD compares: Non-Finnish European, 0.006%; no homozygotes.

Submissions (3):

Blueprint Genetics
Classification: Likely benign. Last evaluated: 2023-11-10. Review status: criteria provided, single submitter. Criteria: ACMG Guidelines, 2015. Collection method: clinical testing. Allele origin: germline.

Labcorp Genetics (formerly Invitae), Labcorp
Classification: Likely benign. Last evaluated: 2017-10-23. Review status: criteria provided, single submitter. Criteria: Invitae Variant Classification Sherloc (09022015). Collection method: clinical testing. Allele origin: germline.

PreventionGenetics, part of Exact Sciences
Classification: Likely benign for EBP-related condition. Last evaluated: 2019-08-09. Review status: no assertion criteria provided. Collection method: clinical testing. Allele origin: germline. Not counted in ClinVar's aggregate classification.
Comment: This variant is classified as likely benign based on ACMG/AMP sequence variant interpretation guidelines (Richards et al. 2015 PMID: 25741868, with internal and published modifications).